The following is an entry in ClinVar:

ClinVar aggregate classification (germline): Benign/Likely benign. Review status: criteria provided, multiple submitters, no conflicts (2 of 4 stars). 7 submissions from 7 submitters: Benign (1); Likely benign (5). 1 of the submissions does not count toward it. Last evaluated 2026-08-01.

Conditions:
Hereditary cancer-predisposing syndrome. Also called: Hereditary neoplastic syndrome; Tumor predisposition; Neoplastic Syndromes, Hereditary; Hereditary Cancer Syndrome. Identifiers: Orphanet 140162, MedGen C0027672, MeSH D009386, MONDO:0015356.
Gorlin syndrome. Also called: Nevoid Basal Cell Carcinoma Syndrome; Basal cell nevus syndrome. Identifiers: Orphanet 377, MedGen C0004779, MONDO:0007187.
PTCH1-related disorder. Also called: PTCH1-related disorders; PTCH1-related condition.

Allele frequency attached by ClinVar (database versions not stated): gnomAD 0.00001; TOPMed 0.00002; gnomAD exomes 0.00003; ExAC 0.00004.
gnomAD v4.1: 34 of 1,614,124 alleles (0.0021%); highest among the groups gnomAD compares: Admixed American, 0.0033%; no homozygotes.

Submissions (7):

CeGaT Center for Human Genetics Tuebingen
Classification: Likely benign. Last evaluated: 2026-08-01. Review status: criteria provided, single submitter. Criteria: CeGaT Center For Human Genetics Tuebingen Variant Classification Criteria Version 2. Collection method: clinical testing. Allele origin: germline. Affected: yes. Observed: 3 variant alleles.
Comment: PTCH1: BP4, BP7

Labcorp Genetics (formerly Invitae), Labcorp
Classification: Likely benign for Gorlin syndrome. Last evaluated: 2025-10-13. Review status: criteria provided, single submitter. Criteria: Invitae Variant Classification Sherloc (09022015). Collection method: clinical testing. Allele origin: germline.

Center for Genomic Medicine, Rigshospitalet, Copenhagen University Hospital
Classification: Likely benign. Last evaluated: 2025-03-04. Review status: criteria provided, single submitter. Criteria: ACMG Guidelines, 2015. Collection method: clinical testing. Allele origin: germline.

Laboratory of Genetics, Children's Clinical University Hospital Latvia
Classification: Benign. Last evaluated: 2025-02-16. Review status: criteria provided, single submitter. Criteria: ACMG Guidelines, 2015. Collection method: clinical testing. Allele origin: germline. Affected: yes.

Blueprint Genetics
Classification: Likely benign. Last evaluated: 2024-06-06. Review status: criteria provided, single submitter. Criteria: ACMG Guidelines, 2015. Collection method: clinical testing. Allele origin: germline.

Ambry Genetics
Classification: Likely benign for Hereditary cancer-predisposing syndrome. Last evaluated: 2019-01-31. Review status: criteria provided, single submitter. Criteria: Ambry Variant Classification Scheme 2023. Collection method: clinical testing. Allele origin: germline.

PreventionGenetics, part of Exact Sciences
Classification: Likely benign for PTCH1-related condition. Last evaluated: 2021-08-09. Review status: no assertion criteria provided. Collection method: clinical testing. Allele origin: germline. Not counted in ClinVar's aggregate classification.
Comment: This variant is classified as likely benign based on ACMG/AMP sequence variant interpretation guidelines (Richards et al. 2015 PMID: 25741868, with internal and published modifications).

NM_000264.5(PTCH1):c.2679C>T (p.Arg893=)

Gene: PTCH1 (patched 1; minus strand). Cytogenetic location: 9q22.32.
Variant type: single nucleotide variant.
Coding change: c.2679C>T on transcript NM_000264.5 (MANE Select); coding-DNA position 2679, C replaced by T.
Protein change: p.Arg893=; no amino-acid change (arginine 893 retained).
Molecular consequence: synonymous variant. On other transcripts: non-coding transcript variant (1).
Genome position (GRCh38, 1-based): chr9:95,461,880, G>A on the plus strand (C>T on the coding strand, the complement: PTCH1 is on the minus strand). VCF-style: chr9-95461880-G-A. GRCh37 (hg19) VCF-style: chr9-98224162-G-A.
Other names: c.2481C>T, p.Arg827= (NM_001083602.3); c.2676C>T, p.Arg892= (NM_001083603.3); c.2226C>T, p.Arg742= (NM_001083604.3, NM_001083605.3, NM_001083606.3 and 1 more transcripts); c.2523C>T, p.Arg841= (NM_001354918.2).
Identifiers: ClinVar variation 453827 (VCV000453827.37), dbSNP rs752658093, ClinGen allele CA5138354.